The following is an entry in ClinVar:

ClinVar aggregate classification (germline): Uncertain significance (1 of 4 stars; one submission).

Conditions:
Werner syndrome (WRN). Identifiers: Orphanet 902, MedGen C0043119, MONDO:0010196, OMIM 277700.

Allele frequency attached by ClinVar (database versions not stated): gnomAD exomes below 0.00001; ExAC 0.00001.
gnomAD v4.1: 1 of 1,613,638 alleles (0.000062%); highest among the groups gnomAD compares: Admixed American, 0.0017%; no homozygotes.

Submission:

Labcorp Genetics (formerly Invitae), Labcorp
Classification: Uncertain significance for Werner syndrome. Last evaluated: 2022-10-01. Review status: criteria provided, single submitter. Criteria: Invitae Variant Classification Sherloc (09022015). Collection method: clinical testing. Allele origin: germline.
Comment: In summary, the available evidence is currently insufficient to determine the role of this variant in disease. Therefore, it has been classified as a Variant of Uncertain Significance. Algorithms developed to predict the effect of missense changes on protein structure and function output the following: SIFT: "Not Available"; PolyPhen-2: "Benign"; Align-GVGD: "Not Available". The alanine amino acid residue is found in multiple mammalian species, which suggests that this missense change does not adversely affect protein function. This variant has not been reported in the literature in individuals affected with WRN-related conditions. This variant is present in population databases (rs767758699, gnomAD 0.003%). This sequence change replaces threonine, which is neutral and polar, with alanine, which is neutral and non-polar, at codon 1398 of the WRN protein (p.Thr1398Ala).

NM_000553.6(WRN):c.4192A>G (p.Thr1398Ala)

Genes: WRN (WRN RecQ like helicase; plus strand), LOC126860342 (MED14-independent group 3 enhancer GRCh37_chr8:31029565-31030764; plus strand). Cytogenetic location: 8p12.
Variant type: single nucleotide variant.
Coding change: c.4192A>G on transcript NM_000553.6 (MANE Select); coding-DNA position 4192, A replaced by G.
Protein change: p.Thr1398Ala; replaces threonine 1398 with alanine.
Molecular consequence: missense variant.
Genome position (GRCh38, 1-based): chr8:31,172,995, A>G. VCF-style: chr8-31172995-A-G. GRCh37 (hg19) VCF-style: chr8-31030511-A-G.
Other names: short protein forms T1398A.
Identifiers: ClinVar variation 1720772 (VCV001720772.6), dbSNP rs767758699, ClinGen allele CA4705294.